The following is an entry in ClinVar:

ClinVar aggregate classification (germline): Conflicting classifications of pathogenicity. Review status: criteria provided, conflicting classifications (1 of 4 stars). 5 submissions from 5 submitters: Uncertain significance (4); Likely benign (1). Last evaluated 2026-01-04.

Conditions:
Cardiovascular phenotype. Identifiers: MedGen CN230736.
Hereditary cancer-predisposing syndrome. Also called: Neoplastic Syndromes, Hereditary; Tumor predisposition; Hereditary neoplastic syndrome; Hereditary Cancer Syndrome. Identifiers: Orphanet 140162, MedGen C0027672, MeSH D009386, MONDO:0015356.
Juvenile myelomonocytic leukemia (JMML). Also called: LEUKEMIA, JUVENILE MYELOMONOCYTIC, SOMATIC. Identifiers: Orphanet 86834, MedGen C0349639, MONDO:0011908, OMIM 607785, HP:0012209.
Neurofibromatosis, type 1 (NF1). Also called: Peripheral type neurofibromatosis; Neurofibromatosis, type I; NEUROFIBROMATOSIS, TYPE I, SOMATIC; VON RECKLINGHAUSEN DISEASE. Identifiers: Orphanet 636, MedGen C0027831, MONDO:0018975, OMIM 162200. Disease mechanism: loss of function.
NF1-related disorder. Also called: NF1-related condition. Identifiers: MedGen CN379171.

Allele frequency attached by ClinVar (database versions not stated): gnomAD exomes below 0.00001; ExAC 0.00001; gnomAD 0.00001; TOPMed 0.00002.
gnomAD v4.1: 3 of 1,613,784 alleles (0.00019%); highest among the groups gnomAD compares: African/African-American, 0.004%; no homozygotes.

Submissions (5):

Labcorp Genetics (formerly Invitae), Labcorp
Classification: Likely benign for Neurofibromatosis, type 1. Last evaluated: 2026-01-04. Review status: criteria provided, single submitter. Criteria: Invitae Variant Classification Sherloc (09022015). Collection method: clinical testing. Allele origin: germline.

PreventionGenetics, part of Exact Sciences
Classification: Uncertain significance for NF1-related condition. Last evaluated: 2025-12-19. Review status: criteria provided, single submitter. Criteria: ACMG Guidelines, 2015. Collection method: clinical testing. Allele origin: germline.
Comment: The NF1 c.6646T>A variant is predicted to result in the amino acid substitution p.Cys2216Ser. To our knowledge, this variant has not been reported in the literature. This variant is reported in 0.0062% of alleles in individuals of African descent in gnomAD and is interpreted as uncertain in ClinVar (Variation ID: 644567). At this time, the clinical significance of this variant is uncertain due to the absence of conclusive functional and genetic evidence.

Quest Diagnostics Nichols Institute San Juan Capistrano
Classification: Uncertain significance. Last evaluated: 2025-01-04. Review status: criteria provided, single submitter. Criteria: Quest Diagnostics criteria. Collection method: clinical testing. Allele origin: unknown.

Ambry Genetics
Classification: Uncertain significance for Cardiovascular phenotype; Hereditary cancer-predisposing syndrome. Last evaluated: 2024-03-13. Review status: criteria provided, single submitter. Criteria: Ambry Variant Classification Scheme 2023. Collection method: clinical testing. Allele origin: germline.
Comment: The p.C2195S variant (also known as c.6583T>A), located in coding exon 43 of the NF1 gene, results from a T to A substitution at nucleotide position 6583. The cysteine at codon 2195 is replaced by serine, an amino acid with dissimilar properties. This amino acid position is highly conserved in available vertebrate species. In addition, this alteration is predicted to be deleterious by in silico analysis. Since supporting evidence is limited at this time, the clinical significance of this alteration remains unclear.

Baylor Genetics
Classification: Uncertain significance for Juvenile myelomonocytic leukemia. Last evaluated: 2023-06-19. Review status: criteria provided, single submitter. Criteria: ACMG Guidelines, 2015. Collection method: clinical testing. Allele origin: unknown.

NM_001042492.3(NF1):c.6646T>A (p.Cys2216Ser)

Gene: NF1 (neurofibromin 1; plus strand). Cytogenetic location: 17q11.2.
Variant type: single nucleotide variant.
Coding change: c.6646T>A on transcript NM_001042492.3 (MANE Select); coding-DNA position 6646, T replaced by A.
Protein change: p.Cys2216Ser; replaces cysteine 2216 with serine.
Molecular consequence: missense variant.
Genome position (GRCh38, 1-based): chr17:31,337,822, T>A. VCF-style: chr17-31337822-T-A. GRCh37 (hg19) VCF-style: chr17-29664840-T-A.
Other names: c.6583T>A, p.Cys2195Ser (NM_000267.4); short protein forms C2195S, C2216S.
Identifiers: ClinVar variation 644567 (VCV000644567.13), dbSNP rs757736155, ClinGen allele CA8487391.